The following is an entry in ClinVar:

ClinVar aggregate classification (germline): Pathogenic/Likely pathogenic. Review status: criteria provided, multiple submitters, no conflicts (2 of 4 stars). 3 submissions from 3 submitters: Pathogenic (2); Likely pathogenic (1). Last evaluated 2025-04-02.

Conditions:
Hyaline fibromatosis syndrome (HFS). Also called: Hyalinosis, Inherited Systemic; HYALINOSIS, SYSTEMIC. Identifiers: Orphanet 2028, Orphanet 498474, MedGen C5574677, MONDO:0009229, OMIM 228600.
Juvenile hyaline fibromatosis (JHF). Also called: Puretic syndrome; Hyalinosis, systemic juvenile. Identifiers: Orphanet 2028, MedGen C2745948, MONDO:0016071.

Allele frequency attached by ClinVar (database versions not stated): gnomAD exomes 0.00001 and 0.00002; ExAC 0.00004.
gnomAD v4.1: 8 of 1,525,004 alleles (0.00052%); highest among the groups gnomAD compares: South Asian, 0.0091%; no homozygotes.

Submissions (3):

Women's Health and Genetics/Laboratory Corporation of America, LabCorp
Classification: Pathogenic for Juvenile hyaline fibromatosis. Last evaluated: 2025-04-02. Review status: criteria provided, single submitter. Criteria: LabCorp Variant Classification Summary - May 2015. Collection method: clinical testing. Allele origin: germline.
Comment: Variant summary: ANTXR2 c.652T>C (p.Cys218Arg) results in a non-conservative amino acid change in the encoded protein sequence. Five of five in-silico tools predict a damaging effect of the variant on protein function. The variant allele was found at a frequency of 2.3e-05 in 132608 control chromosomes. c.652T>C has been reported in the literature in multiple individuals affected with Hyaline Fibromatosis Syndrome (e.g., Cozma_2019, Friebe_2015, Hanks_2003, Ye_2024). The following publications have been ascertained in the context of this evaluation (PMID: 31455396, 25781883, 14508707, 38989346). ClinVar contains an entry for this variant (Variation ID: 974886). Based on the evidence outlined above, the variant was classified as pathogenic.

Department of Pathology and Laboratory Medicine, Sinai Health System
Classification: Likely pathogenic for Hyaline fibromatosis syndrome. Last evaluated: 2023-05-17. Review status: criteria provided, single submitter. Criteria: ACMG Guidelines, 2015. Collection method: research. Allele origin: germline.

CENTOGENE GmbH and LLC - Guiding Precision Medicine
Classification: Pathogenic for Hyaline fibromatosis syndrome. Review status: criteria provided, single submitter. Criteria: ACMG Guidelines, 2015. Collection method: clinical testing. Allele origin: germline. Affected: yes.

Literature cited by the submitters: PubMed 31455396 (cited by Women's Health and Genetics/Laboratory Corporation of America, LabCorp); PubMed 25781883 (cited by Women's Health and Genetics/Laboratory Corporation of America, LabCorp); PubMed 14508707 (cited by Women's Health and Genetics/Laboratory Corporation of America, LabCorp); PubMed 38989346 (cited by Women's Health and Genetics/Laboratory Corporation of America, LabCorp); PubMed 32860008 (cited by CENTOGENE GmbH and LLC - Guiding Precision Medicine).

NM_058172.6(ANTXR2):c.652T>C (p.Cys218Arg)

Gene: ANTXR2 (ANTXR cell adhesion molecule 2; minus strand). Cytogenetic location: 4q21.21.
Variant type: single nucleotide variant.
Coding change: c.652T>C on transcript NM_058172.6 (MANE Select); coding-DNA position 652, T replaced by C.
Protein change: p.Cys218Arg; replaces cysteine 218 with arginine.
Molecular consequence: missense variant.
Genome position (GRCh38, 1-based): chr4:80,036,017, A>G on the plus strand (T>C on the coding strand, the complement: ANTXR2 is on the minus strand). VCF-style: chr4-80036017-A-G. GRCh37 (hg19) VCF-style: chr4-80957171-A-G.
Other names: c.652T>C, p.Cys218Arg (NM_001145794.2); c.421T>C, p.Cys141Arg (NM_001286780.2, NM_001286781.2); short protein forms C141R, C218R.
Identifiers: ClinVar variation 974886 (VCV000974886.4), dbSNP rs781637328, ClinGen allele CA2981883.
Genomic context (GRCh38, chr4:80,036,017, plus strand): 5'-ATTCTAAACACTTACCCCCCACACAGACACTTGAGGGCTGCAATTCTAGGATTTCAGTAC[A>G]TGACTGAGCTAGTATCTAAAAAAGAAAAAAAAAAAAGATTACCAAGCTATAGATCTAAAA-3'
Protein context (NP_477520.2, residues 208-228): GIINSILAQS[Cys218Arg]TEILELQPSS